The following is an entry in ClinVar:

ClinVar aggregate classification (germline): Uncertain significance (1 of 4 stars; one submission).

Allele frequency attached by ClinVar (database versions not stated): TOPMed below 0.00001.

Submission:

Labcorp Genetics (formerly Invitae), Labcorp
Classification: Uncertain significance. Last evaluated: 2022-05-28. Review status: criteria provided, single submitter. Criteria: Invitae Variant Classification Sherloc (09022015). Collection method: clinical testing. Allele origin: germline.
Comment: Algorithms developed to predict the effect of missense changes on protein structure and function (SIFT, PolyPhen-2, Align-GVGD) all suggest that this variant is likely to be disruptive. In summary, the available evidence is currently insufficient to determine the role of this variant in disease. Therefore, it has been classified as a Variant of Uncertain Significance. This variant has not been reported in the literature in individuals affected with RASGRP1-related conditions. This variant is not present in population databases (gnomAD no frequency). This sequence change replaces asparagine, which is neutral and polar, with serine, which is neutral and polar, at codon 252 of the RASGRP1 protein (p.Asn252Ser).

NM_005739.4(RASGRP1):c.755A>G (p.Asn252Ser)

Gene: RASGRP1 (RAS guanyl releasing protein 1; minus strand). Cytogenetic location: 15q14.
Variant type: single nucleotide variant.
Coding change: c.755A>G on transcript NM_005739.4 (MANE Select); coding-DNA position 755, A replaced by G.
Protein change: p.Asn252Ser; replaces asparagine 252 with serine.
Molecular consequence: missense variant.
Genome position (GRCh38, 1-based): chr15:38,512,877, T>C on the plus strand (A>G on the coding strand, the complement: RASGRP1 is on the minus strand). VCF-style: chr15-38512877-T-C. GRCh37 (hg19) VCF-style: chr15-38805078-T-C.
Other names: c.755A>G, p.Asn252Ser (NM_001128602.2, NM_001306086.2); short protein forms N252S.
Identifiers: ClinVar variation 2000119 (VCV002000119.4), dbSNP rs1300701741, ClinGen allele CA391651661.